The following is an entry in ClinVar:

NM_000257.4(MYH7):c.2495T>A (p.Leu832His)

Genes: MYH7 (myosin heavy chain 7; minus strand), LOC126861898 (BRD4-independent group 4 enhancer GRCh37_chr14:23893609-23894808; plus strand). Cytogenetic location: 14q11.2.
Variant type: single nucleotide variant.
Coding change: c.2495T>A on transcript NM_000257.4 (MANE Select); coding-DNA position 2495, T replaced by A.
Protein change: p.Leu832His; replaces leucine 832 with histidine.
Molecular consequence: missense variant.
Genome position (GRCh38, 1-based): chr14:23,424,953, A>T on the plus strand (T>A on the coding strand, the complement: MYH7 is on the minus strand). VCF-style: chr14-23424953-A-T. GRCh37 (hg19) VCF-style: chr14-23894162-A-T.
Other names: short protein forms L832H.
Identifiers: ClinVar variation 1490257 (VCV001490257.6), dbSNP rs730880745, ClinGen allele CA389048289.

ClinVar aggregate classification (germline): Uncertain significance (1 of 4 stars; one submission).

Conditions:
Hypertrophic cardiomyopathy. Also called: HYPERTROPHIC MYOCARDIOPATHY. Identifiers: Orphanet 217569, MedGen C0007194, MeSH D002312, MONDO:0005045, HP:0001639.

Submission:

Labcorp Genetics (formerly Invitae), Labcorp
Classification: Uncertain significance for Hypertrophic cardiomyopathy. Last evaluated: 2022-01-27. Review status: criteria provided, single submitter. Criteria: Invitae Variant Classification Sherloc (09022015). Collection method: clinical testing. Allele origin: germline.
Comment: In summary, the available evidence is currently insufficient to determine the role of this variant in disease. Therefore, it has been classified as a Variant of Uncertain Significance. This variant is found within a region of MYH7 between codons 181 and 937 that contains the majority of the myosin head domain. Missense variants in this region have been shown to be significantly overrepresented in individuals with hypertrophic cardiomyopathy (PMID: 27532257). Algorithms developed to predict the effect of missense changes on protein structure and function (SIFT, PolyPhen-2, Align-GVGD) all suggest that this variant is likely to be disruptive. This variant has not been reported in the literature in individuals affected with MYH7-related conditions. This variant is not present in population databases (gnomAD no frequency). This sequence change replaces leucine, which is neutral and non-polar, with histidine, which is basic and polar, at codon 832 of the MYH7 protein (p.Leu832His).

Literature cited by the submitters: PubMed 27532257.